The following is an entry in ClinVar:

NM_001399.5(EDA):c.741G>A (p.Gln247=)

Gene: EDA (ectodysplasin A; plus strand). Cytogenetic location: Xq13.1.
Variant type: single nucleotide variant.
Coding change: c.741G>A on transcript NM_001399.5 (MANE Select); coding-DNA position 741, G replaced by A.
Protein change: p.Gln247=; no amino-acid change (glutamine 247 retained).
Molecular consequence: synonymous variant.
Genome position (GRCh38, 1-based): chrX:70,029,538, G>A. VCF-style: chrX-70029538-G-A. GRCh37 (hg19) VCF-style: chrX-69249388-G-A.
Other names: c.741G>A, p.Gln247= (NM_001005609.2, NM_001005612.3).
Identifiers: ClinVar variation 528357 (VCV000528357.10), dbSNP rs886042183, ClinGen allele CA517012831.

ClinVar aggregate classification (germline): Pathogenic/Likely pathogenic. Review status: criteria provided, multiple submitters, no conflicts (2 of 4 stars). 2 submissions from 2 submitters: Pathogenic (1); Likely pathogenic (1). Last evaluated 2025-11-06.

Conditions:
EDA-related disorder. Also called: EDA-related condition; EDA-related disorders.
Hypohidrotic X-linked ectodermal dysplasia (XHED). Also called: ECTODERMAL DYSPLASIA, HYPOHIDROTIC, 1; CST SYNDROME; Ectodermal Dysplasia 1, Anhidrotic; ECTODERMAL DYSPLASIA 1; Anhidrotic ectodermal dysplasia X-linked; Christ Siemens Touraine syndrome. Identifiers: Orphanet 181, Orphanet 238468, MedGen C0162359, MONDO:0010585, OMIM 305100.

Submissions (2):

PreventionGenetics, part of Exact Sciences
Classification: Likely pathogenic for EDA-related condition. Last evaluated: 2025-11-06. Review status: criteria provided, single submitter. Criteria: ACMG Guidelines, 2015. Collection method: clinical testing. Allele origin: germline.
Comment: The EDA c.741G>A variant is not predicted to result in an amino acid change (p.=). Based on available splicing prediction programs (Alamut Visual v1.6.1; SpliceAI, Jaganathan et al. 2019. PubMed ID: 30661751), this variant is predicted to abolish the consensus splice donor site. This variant has been reported in individuals with ectodermal dysplasia, including one in whom it occurred de novo (Conte et al. 2008. PubMed ID: 18666859; Zeng et al. 2016. PubMed ID: 27657131). A different splice variant (c.741+1G>T) that disrupts the same consensus splice donor site in EDA has also been reported in an individual with ectodermal dysplasia (Conte et al. 2008. PubMed ID: 18666859). The c.741G>A variant has not been reported in a large population database (gnomAD), indicating it is rare. This variant is interpreted as likely pathogenic.

Labcorp Genetics (formerly Invitae), Labcorp
Classification: Pathogenic for Hypohidrotic X-linked ectodermal dysplasia. Last evaluated: 2018-10-09. Review status: criteria provided, single submitter. Criteria: Invitae Variant Classification Sherloc (09022015). Collection method: clinical testing. Allele origin: germline.
Comment: This sequence change affects codon 247 of the EDA mRNA. It is a 'silent' change, meaning that it does not change the encoded amino acid sequence of the EDA protein. This variant also falls at the last nucleotide of exon 5 of the EDA coding sequence, which is part of the consensus splice site for this exon. This variant is not present in population databases (ExAC no frequency). This variant has been reported in several individuals affected with ectodermal dysplasia, including an individual in which the variant occurred de novo (PMID: 18666859, 27657131). ClinVar contains an entry for this variant (Variation ID: 528357). Nucleotide substitutions within the consensus splice site are a relatively common cause of aberrant splicing (PMID: 17576681, 9536098). Algorithms developed to predict the effect of sequence changes on RNA splicing suggest that this variant may disrupt the consensus splice site, but this prediction has not been confirmed by published transcriptional studies. For these reasons, this variant has been classified as Pathogenic.

Literature cited by the submitters: PubMed 18666859 (cited by Labcorp Genetics (formerly Invitae), Labcorp); PubMed 27657131 (cited by Labcorp Genetics (formerly Invitae), Labcorp); PubMed 17576681 (cited by Labcorp Genetics (formerly Invitae), Labcorp); PubMed 9536098 (cited by Labcorp Genetics (formerly Invitae), Labcorp).